The following is an entry in ClinVar:

ClinVar aggregate classification (germline): Pathogenic/Likely pathogenic. Review status: criteria provided, multiple submitters, no conflicts (2 of 4 stars). 4 submissions from 4 submitters: Pathogenic (2); Likely pathogenic (2). Last evaluated 2025-12-01.

Conditions:
TGFB3-related disorder. Also called: TGFB3-related condition.
Familial thoracic aortic aneurysm and aortic dissection (TAAD). Also called: Thoracic aortic aneurysms and dissections. Identifiers: Orphanet 91387, MedGen C4707243, MONDO:0019625.
Rienhoff syndrome. Also called: LOEYS-DIETZ SYNDROME 5. Identifiers: MedGen C3810012, MONDO:0014262, OMIM 615582.

Allele frequency attached by ClinVar (database versions not stated): gnomAD exomes below 0.00001.

Submissions (4):

Labcorp Genetics (formerly Invitae), Labcorp
Classification: Pathogenic for Rienhoff syndrome. Last evaluated: 2025-12-01. Review status: criteria provided, single submitter. Criteria: Invitae Variant Classification Sherloc (09022015). Collection method: clinical testing. Allele origin: germline.
Comment: This sequence change creates a premature translational stop signal (p.Arg148*) in the TGFB3 gene. It is expected to result in an absent or disrupted protein product. Loss-of-function variants in TGFB3 are known to be pathogenic (PMID: 25835445, 26188975). This variant is not present in population databases (gnomAD no frequency). This premature translational stop signal has been observed in individual(s) with clinical features of TGFB3-related disease (internal data). ClinVar contains an entry for this variant (Variation ID: 390113). For these reasons, this variant has been classified as Pathogenic.

Ambry Genetics
Classification: Pathogenic for Familial thoracic aortic aneurysm and aortic dissection. Last evaluated: 2025-02-05. Review status: criteria provided, single submitter. Criteria: Ambry Variant Classification Scheme 2023. Collection method: clinical testing. Allele origin: germline.
Comment: The p.R148* pathogenic mutation (also known as c.442C>T), located in coding exon 2 of the TGFB3 gene, results from a C to T substitution at nucleotide position 442. This changes the amino acid from an arginine to a stop codon within coding exon 2. This variant is considered to be rare based on population cohorts in the Genome Aggregation Database (gnomAD). This alteration is expected to result in loss of function by premature protein truncation or nonsense-mediated mRNA decay. As such, this alteration is interpreted as a disease-causing mutation.

Blueprint Genetics
Classification: Likely pathogenic for TGFB3-related disorders. Last evaluated: 2024-11-07. Review status: criteria provided, single submitter. Criteria: ACMG Guidelines, 2015. Collection method: clinical testing. Allele origin: germline. Affected: yes. Observed: 1 variant allele.

GeneDx
Classification: Likely pathogenic. Last evaluated: 2017-06-28. Review status: criteria provided, single submitter. Criteria: GeneDx Variant Classification (06012015). Collection method: clinical testing. Allele origin: germline. Affected: yes.
Comment: A likely pathogenic variant has been identified in the TGFB3 gene. The R148X variant has not been published as a pathogenic variant, nor has it been reported as a benign variant to our knowledge. This variant was not observed in approximately 6,500 individuals of European and African American ancestry in the NHLBI Exome Sequencing Project, indicating it is not a common benign variant in these populations. The R148X variant is predicted to cause loss of normal protein function either by protein truncation or nonsense-mediated mRNA decay. Furthermore, other nonsense variants in the TGFB3 gene have been reported in the Human Gene Mutation Database in association with aortic aneurysm and dissection (Stenson et al., 2014).In summary, R148X in the TGFB3 gene is expected to be pathogenic, as loss of function variants in this gene are strongly associated with this phenotype.

Literature cited by the submitters: PubMed 25835445 (cited by Labcorp Genetics (formerly Invitae), Labcorp); PubMed 26188975 (cited by Labcorp Genetics (formerly Invitae), Labcorp).

NM_003239.5(TGFB3):c.442C>T (p.Arg148Ter)

Gene: TGFB3 (transforming growth factor beta 3; minus strand). Cytogenetic location: 14q24.3.
Variant type: single nucleotide variant.
Coding change: c.442C>T on transcript NM_003239.5 (MANE Select); coding-DNA position 442, C replaced by T.
Protein change: p.Arg148Ter; replaces arginine 148 with a stop codon.
Molecular consequence: nonsense.
Genome position (GRCh38, 1-based): chr14:75,971,629, G>A on the plus strand (C>T on the coding strand, the complement: TGFB3 is on the minus strand). VCF-style: chr14-75971629-G-A. GRCh37 (hg19) VCF-style: chr14-76437972-G-A.
Other names: c.442C>T, p.Arg148Ter (NM_001329938.2, NM_001329939.2); short protein forms R148*.
Identifiers: ClinVar variation 390113 (VCV000390113.18), dbSNP rs1057523647, ClinGen allele CA16607024.